The following is an entry in ClinVar:

NM_000213.5(ITGB4):c.4584C>T (p.Pro1528=)

Genes: GALK1 (galactokinase 1; minus strand), ITGB4 (integrin subunit beta 4; plus strand). Cytogenetic location: 17q25.1.
Variant type: single nucleotide variant.
Coding change: c.4584C>T on transcript NM_000213.5 (MANE Select); coding-DNA position 4584, C replaced by T.
Protein change: p.Pro1528=; no amino-acid change (proline 1528 retained).
Molecular consequence: synonymous variant. On other transcripts: intron variant (2).
Genome position (GRCh38, 1-based): chr17:75,755,726, C>T. VCF-style: chr17-75755726-C-T. GRCh37 (hg19) VCF-style: chr17-73751807-C-T.
Other names: c.4533C>T, p.Pro1511= (NM_001005619.2); c.4374C>T, p.Pro1458= (NM_001005731.3, NM_001321123.2); c.4349-703C>T (NM_001438834.1); c.*22+2308G>A (NM_001381985.1).
Identifiers: ClinVar variation 756564 (VCV000756564.9), dbSNP rs753610406, ClinGen allele CA8770245.

ClinVar aggregate classification (germline): Likely benign. Review status: criteria provided, multiple submitters, no conflicts (2 of 4 stars). 3 submissions from 3 submitters: Likely benign (2). 1 of the submissions does not count toward it. Last evaluated 2026-01-25.

Conditions:
ITGB4-related disorder. Also called: ITGB4-related condition.

Allele frequency attached by ClinVar (database versions not stated): TOPMed 0.00001; ExAC 0.00002; gnomAD 0.00003; gnomAD exomes 0.00004 and 0.00007.
gnomAD v4.1: 114 of 1,612,742 alleles (0.0071%); highest among the groups gnomAD compares: Admixed American, 0.017%; no homozygotes.

Submissions (3):

Labcorp Genetics (formerly Invitae), Labcorp
Classification: Likely benign. Last evaluated: 2026-01-25. Review status: criteria provided, single submitter. Criteria: Invitae Variant Classification Sherloc (09022015). Collection method: clinical testing. Allele origin: germline.

Breakthrough Genomics
Classification: Likely benign. Review status: criteria provided, single submitter. Criteria: ACMG Guidelines, 2015. Collection method: not provided. Allele origin: germline. Inheritance: Autosomal recessive inheritance. Affected: yes.

PreventionGenetics, part of Exact Sciences
Classification: Likely benign for ITGB4-related condition. Last evaluated: 2022-08-26. Review status: no assertion criteria provided. Collection method: clinical testing. Allele origin: germline. Not counted in ClinVar's aggregate classification.
Comment: This variant is classified as likely benign based on ACMG/AMP sequence variant interpretation guidelines (Richards et al. 2015 PMID: 25741868, with internal and published modifications).